The following is an entry in ClinVar:

NM_000996.4(RPL35A):c.109G>A (p.Asp37Asn)

Genes: RPL35A (ribosomal protein L35a; plus strand), DRC9 (dynein regulatory complex subunit 9; minus strand). Cytogenetic location: 3q29.
Variant type: single nucleotide variant.
Coding change: c.109G>A on transcript NM_000996.4 (MANE Select); coding-DNA position 109, G replaced by A.
Protein change: p.Asp37Asn; replaces aspartic acid 37 with asparagine.
Molecular consequence: missense variant. On other transcripts: intron variant (3).
Genome position (GRCh38, 1-based): chr3:197,951,256, G>A. VCF-style: chr3-197951256-G-A. GRCh37 (hg19) VCF-style: chr3-197678127-G-A.
Other names: c.109G>A, p.Asp37Asn (NM_001316311.2); c.-49-7205C>T (NM_001323028.2); c.-59-5570C>T (NM_032263.5); c.-374-5570C>T (NM_001323029.2); short protein forms D37N.
Identifiers: ClinVar variation 1377205 (VCV001377205.8), dbSNP rs1401367420, ClinGen allele CA355902714.

ClinVar aggregate classification (germline): Uncertain significance (1 of 4 stars; one submission).

Conditions:
Diamond-Blackfan anemia 5 (DBA5). Also called: RPL35A-Related Diamond-Blackfan Anemia. Identifiers: Orphanet 124, MedGen C2675859, MONDO:0012925, OMIM 612528.

Allele frequency attached by ClinVar (database versions not stated): gnomAD exomes below 0.00001.
gnomAD v4.1: 1 of 1,614,160 alleles (0.000062%); no homozygotes.

Submission:

Labcorp Genetics (formerly Invitae), Labcorp
Classification: Uncertain significance for Diamond-Blackfan anemia 5. Last evaluated: 2021-02-12. Review status: criteria provided, single submitter. Criteria: Invitae Variant Classification Sherloc (09022015). Collection method: clinical testing. Allele origin: germline.
Comment: This sequence change replaces aspartic acid with asparagine at codon 37 of the RPL35A protein (p.Asp37Asn). The aspartic acid residue is moderately conserved and there is a small physicochemical difference between aspartic acid and asparagine. This variant is not present in population databases (ExAC no frequency). This variant has not been reported in the literature in individuals with RPL35A-related conditions. Algorithms developed to predict the effect of missense changes on protein structure and function (SIFT, PolyPhen-2, Align-GVGD) all suggest that this variant is likely to be tolerated, but these predictions have not been confirmed by published functional studies and their clinical significance is uncertain. In summary, the available evidence is currently insufficient to determine the role of this variant in disease. Therefore, it has been classified as a Variant of Uncertain Significance.